The following is an entry in ClinVar:

NM_002294.3(LAMP2):c.73_74delinsTA (p.Arg25Ter)

Gene: LAMP2 (lysosome associated membrane protein 2; minus strand). Cytogenetic location: Xq24.
Variant type: Indel.
Coding change: c.73_74delinsTA on transcript NM_002294.3 (MANE Select); coding-DNA positions 73 to 74, CG replaced by TA.
Protein change: p.Arg25Ter; replaces arginine 25 with a stop codon.
Molecular consequence: nonsense.
Genome position (GRCh38, 1-based): chrX:120,456,760-120,456,761, CG replaced by TA on the plus strand (CG replaced by TA on the coding strand, the reverse complement: LAMP2 is on the minus strand). VCF-style: chrX-120456760-CG-TA. GRCh37 (hg19) VCF-style: chrX-119590615-CG-TA.
Other names: c.73_74delinsTA, p.Arg25Ter (NM_001122606.1, NM_013995.2); short protein forms R25*.
Identifiers: ClinVar variation 2090013 (VCV002090013.4), dbSNP rs2520913626, ClinGen allele CA2580100340.

ClinVar aggregate classification (germline): Pathogenic (1 of 4 stars; one submission).

Conditions:
Danon disease. Also called: Glycogen Storage Disease Type IIb; ANTOPOL DISEASE; PSEUDOGLYCOGENOSIS II; GSD IIb; LYSOSOMAL GLYCOGEN STORAGE DISEASE WITHOUT ACID MALTASE DEFICIENCY. Identifiers: Orphanet 34587, MedGen C0878677, MONDO:0010281, OMIM 300257.

Submission:

Labcorp Genetics (formerly Invitae), Labcorp
Classification: Pathogenic for Danon disease. Last evaluated: 2022-04-28. Review status: criteria provided, single submitter. Criteria: Invitae Variant Classification Sherloc (09022015). Collection method: clinical testing. Allele origin: germline.
Comment: For these reasons, this variant has been classified as Pathogenic. This variant has not been reported in the literature in individuals affected with LAMP2-related conditions. Information on the frequency of this variant in the gnomAD database is not available, as this variant may be reported differently in the database. This sequence change creates a premature translational stop signal (p.Arg25*) in the LAMP2 gene. It is expected to result in an absent or disrupted protein product. Loss-of-function variants in LAMP2 are known to be pathogenic (PMID: 21415759).

Literature cited by the submitters: PubMed 21415759.